The following is an entry in ClinVar:

ClinVar aggregate classification (germline): Uncertain significance (1 of 4 stars; one submission).

Conditions:
Peroxisome biogenesis disorder. Identifiers: Orphanet 79189, MedGen C1832200, MONDO:0019234. Disease mechanism: loss of function.

Allele frequency attached by ClinVar (database versions not stated): gnomAD exomes below 0.00001.
gnomAD v4.1: 1 of 1,614,174 alleles (0.000062%); highest among the groups gnomAD compares: Non-Finnish European, 0.000085%; no homozygotes.

Submission:

Labcorp Genetics (formerly Invitae), Labcorp
Classification: Uncertain significance for Peroxisome biogenesis disorder. Last evaluated: 2021-06-19. Review status: criteria provided, single submitter. Criteria: Invitae Variant Classification Sherloc (09022015). Collection method: clinical testing. Allele origin: germline.
Comment: In summary, the available evidence is currently insufficient to determine the role of this variant in disease. Therefore, it has been classified as a Variant of Uncertain Significance. Algorithms developed to predict the effect of missense changes on protein structure and function (SIFT, PolyPhen-2, Align-GVGD) all suggest that this variant is likely to be tolerated, but these predictions have not been confirmed by published functional studies and their clinical significance is uncertain. This variant has not been reported in the literature in individuals with PEX6-related conditions. This variant is not present in population databases (ExAC no frequency). This sequence change replaces glycine with aspartic acid at codon 657 of the PEX6 protein (p.Gly657Asp). The glycine residue is moderately conserved and there is a moderate physicochemical difference between glycine and aspartic acid.

NM_000287.4(PEX6):c.1970G>A (p.Gly657Asp)

Gene: PEX6 (peroxisomal biogenesis factor 6; minus strand). Cytogenetic location: 6p21.1.
Variant type: single nucleotide variant.
Coding change: c.1970G>A on transcript NM_000287.4 (MANE Select); coding-DNA position 1970, G replaced by A.
Protein change: p.Gly657Asp; replaces glycine 657 with aspartic acid.
Molecular consequence: missense variant. On other transcripts: non-coding transcript variant (1).
Genome position (GRCh38, 1-based): chr6:42,966,649, C>T on the plus strand (G>A on the coding strand, the complement: PEX6 is on the minus strand). VCF-style: chr6-42966649-C-T. GRCh37 (hg19) VCF-style: chr6-42934387-C-T.
Other names: c.1706G>A, p.Gly569Asp (NM_001316313.2); short protein forms G657D, G569D.
Identifiers: ClinVar variation 1362364 (VCV001362364.8), dbSNP rs2114240555, ClinGen allele CA364152965.